The following is an entry in ClinVar:

ClinVar aggregate classification (germline): Uncertain significance. Review status: criteria provided, multiple submitters, no conflicts (2 of 4 stars). 2 submissions from 2 submitters: Uncertain significance (2). Last evaluated 2024-01-10.

Conditions:
Inborn genetic diseases. Identifiers: MedGen C0950123, MeSH D030342.
Developmental and epileptic encephalopathy, 12 (DEE12). Identifiers: MedGen C3150988, MONDO:0013389, OMIM 613722.

Allele frequency attached by ClinVar (database versions not stated): gnomAD 0.00001.
gnomAD v4.1: 3 of 1,612,906 alleles (0.00019%); highest among the groups gnomAD compares: East Asian, 0.0067%; no homozygotes.

Submissions (2):

Labcorp Genetics (formerly Invitae), Labcorp
Classification: Uncertain significance for Developmental and epileptic encephalopathy, 12. Last evaluated: 2024-01-10. Review status: criteria provided, single submitter. Criteria: Invitae Variant Classification Sherloc (09022015). Collection method: clinical testing. Allele origin: germline.
Comment: This sequence change replaces valine, which is neutral and non-polar, with alanine, which is neutral and non-polar, at codon 89 of the PNKP protein (p.Val89Ala). This variant is present in population databases (no rsID available, gnomAD 0.06%). This variant has not been reported in the literature in individuals affected with PNKP-related conditions. ClinVar contains an entry for this variant (Variation ID: 2076616). An algorithm developed to predict the effect of missense changes on protein structure and function (PolyPhen-2) suggests that this variant¬†is likely to be tolerated. In summary, the available evidence is currently insufficient to determine the role of this variant in disease. Therefore, it has been classified as a Variant of Uncertain Significance.

Ambry Genetics
Classification: Uncertain significance for Inborn genetic diseases. Last evaluated: 2023-03-17. Review status: criteria provided, single submitter. Criteria: Ambry Variant Classification Scheme 2023. Collection method: clinical testing. Allele origin: germline.

NM_007254.4(PNKP):c.266T>C (p.Val89Ala)

Gene: PNKP (polynucleotide kinase 3'-phosphatase; minus strand). Cytogenetic location: 19q13.33.
Variant type: single nucleotide variant.
Coding change: c.266T>C on transcript NM_007254.4 (MANE Select); coding-DNA position 266, T replaced by C.
Protein change: p.Val89Ala; replaces valine 89 with alanine.
Molecular consequence: missense variant.
Genome position (GRCh38, 1-based): chr19:49,865,359, A>G on the plus strand (T>C on the coding strand, the complement: PNKP is on the minus strand). VCF-style: chr19-49865359-A-G. GRCh37 (hg19) VCF-style: chr19-50368616-A-G.
Other names: c.266T>C (NM_007254.3); short protein forms V89A.
Identifiers: ClinVar variation 2076616 (VCV002076616.5), dbSNP rs1398804952, ClinGen allele CA406890857.